The following is an entry in ClinVar:

NM_000179.3(MSH6):c.2912G>C (p.Gly971Ala)

Gene: MSH6 (mutS homolog 6; plus strand). Cytogenetic location: 2p16.3.
Variant type: single nucleotide variant.
Coding change: c.2912G>C on transcript NM_000179.3 (MANE Select); coding-DNA position 2912, G replaced by C.
Protein change: p.Gly971Ala; replaces glycine 971 with alanine.
Molecular consequence: missense variant. On other transcripts: non-coding transcript variant (5), intron variant (2).
Genome position (GRCh38, 1-based): chr2:47,800,895, G>C. VCF-style: chr2-47800895-G-C. GRCh37 (hg19) VCF-style: chr2-48028034-G-C.
Other names: c.2918G>C, p.Gly973Ala (NM_001406813.1); c.2006G>C, p.Gly669Ala (NM_001406814.1, NM_001406815.1, NM_001406816.1 and 6 more transcripts); c.2615G>C, p.Gly872Ala (NM_001406818.1, NM_001406819.1, NM_001406797.1 and 10 more transcripts); c.2522G>C, p.Gly841Ala (NM_001281492.2); c.3008G>C, p.Gly1003Ala (NM_001406795.1, NM_001406802.1); c.2912G>C, p.Gly971Ala (NM_001406796.1, NM_001406798.1, NM_001406800.1 and 2 more transcripts); c.2387G>C, p.Gly796Ala (NM_001406799.1, NM_001406806.1, NM_001406807.1); c.2834G>C, p.Gly945Ala (NM_001406804.1); and 4 more; short protein forms G1003A, G286A, G669A, G796A, G841A, G872A, G915A, G945A.
Identifiers: ClinVar variation 4800220 (VCV004800220.2).

ClinVar aggregate classification (germline): Uncertain significance. Review status: criteria provided, multiple submitters, no conflicts (2 of 4 stars). 2 submissions from 2 submitters: Uncertain significance (2). Last evaluated 2026-03-19.

Conditions:
Hereditary cancer-predisposing syndrome. Also called: Hereditary neoplastic syndrome; Neoplastic Syndromes, Hereditary; Tumor predisposition; Hereditary Cancer Syndrome. Identifiers: Orphanet 140162, MedGen C0027672, MeSH D009386, MONDO:0015356.
Hereditary nonpolyposis colorectal neoplasms. Identifiers: MedGen C0009405, MeSH D003123.

Submissions (2):

Ambry Genetics
Classification: Uncertain significance for Hereditary cancer-predisposing syndrome. Last evaluated: 2026-03-19. Review status: criteria provided, single submitter. Criteria: Ambry Variant Classification Scheme 2023. Collection method: clinical testing. Allele origin: germline.
Comment: The p.G971A variant (also known as c.2912G>C), located in coding exon 4 of the MSH6 gene, results from a G to C substitution at nucleotide position 2912. The glycine at codon 971 is replaced by alanine, an amino acid with similar properties. This amino acid position is conserved. In addition, this alteration is predicted to be deleterious by in silico analysis. Based on the available evidence, the clinical significance of this variant remains unclear.

Labcorp Genetics (formerly Invitae), Labcorp
Classification: Uncertain significance for Hereditary nonpolyposis colorectal neoplasms. Last evaluated: 2025-12-29. Review status: criteria provided, single submitter. Criteria: Invitae Variant Classification Sherloc (09022015). Collection method: clinical testing. Allele origin: germline.
Comment: This sequence change replaces glycine, which is neutral and non-polar, with alanine, which is neutral and non-polar, at codon 971 of the MSH6 protein (p.Gly971Ala). This variant is not present in population databases (gnomAD no frequency). This variant has not been reported in the literature in individuals affected with MSH6-related conditions. Invitae Evidence Modeling of protein sequence and biophysical properties (such as structural, functional, and spatial information, amino acid conservation, physicochemical variation, residue mobility, and thermodynamic stability) indicates that this missense variant is not expected to disrupt MSH6 protein function with a negative predictive value of 95%. In summary, the available evidence is currently insufficient to determine the role of this variant in disease. Therefore, it has been classified as a Variant of Uncertain Significance.